The following is an entry in ClinVar:

NM_021224.6(ZNF462):c.1185A>G (p.Ile395Met)

Gene: ZNF462 (zinc finger protein 462; plus strand). Cytogenetic location: 9q31.2.
Variant type: single nucleotide variant.
Coding change: c.1185A>G on transcript NM_021224.6 (MANE Select); coding-DNA position 1185, A replaced by G.
Protein change: p.Ile395Met; replaces isoleucine 395 with methionine.
Molecular consequence: missense variant.
Genome position (GRCh38, 1-based): chr9:106,925,097, A>G. VCF-style: chr9-106925097-A-G. GRCh37 (hg19) VCF-style: chr9-109687378-A-G.
Other names: c.1185A>G, p.Ile395Met (NM_001347997.2); short protein forms I395M.
Identifiers: ClinVar variation 4076355 (VCV004076355.1).

ClinVar aggregate classification (germline): Uncertain significance (1 of 4 stars; one submission).

Conditions:
Weiss-Kruszka syndrome. Also called: Metopic ridging-ptosis-facial dysmorphism syndrome. Identifiers: Orphanet 502430, MedGen C5568107, MONDO:0032836, OMIM 618619.

Submission:

Laboratorio de Genetica e Diagnostico Molecular, Hospital Israelita Albert Einstein
Classification: Uncertain significance for Weiss-Kruszka syndrome. Last evaluated: 2025-03-20. Review status: criteria provided, single submitter. Criteria: ACMG Guidelines, 2015. Collection method: clinical testing. Allele origin: germline. Affected: yes.
Comment: ACMG classification criteria: PM2 supporting, PP2 supporting, BP4 supporting